The following is an entry in ClinVar:

ClinVar aggregate classification (germline): Uncertain significance. Review status: criteria provided, multiple submitters, no conflicts (2 of 4 stars). 2 submissions from 2 submitters: Uncertain significance (2). Last evaluated 2026-02-03.

Conditions:
Inborn genetic diseases. Identifiers: MedGen C0950123, MeSH D030342.

Allele frequency attached by ClinVar (database versions not stated): gnomAD exomes below 0.00001; TOPMed 0.00001.
gnomAD v4.1: 2 of 1,612,690 alleles (0.00012%); highest among the groups gnomAD compares: Non-Finnish European, 0.00017%; no homozygotes.

Submissions (2):

Labcorp Genetics (formerly Invitae), Labcorp
Classification: Uncertain significance. Last evaluated: 2026-02-03. Review status: criteria provided, single submitter. Criteria: Invitae Variant Classification Sherloc (09022015). Collection method: clinical testing. Allele origin: germline.
Comment: This sequence change replaces valine, which is neutral and non-polar, with isoleucine, which is neutral and non-polar, at codon 711 of the KMT2B protein (p.Val711Ile). This variant is not present in population databases (gnomAD no frequency). This variant has not been reported in the literature in individuals affected with KMT2B-related conditions. ClinVar contains an entry for this variant (Variation ID: 2096326). Invitae Evidence Modeling of protein sequence and biophysical properties (such as structural, functional, and spatial information, amino acid conservation, physicochemical variation, residue mobility, and thermodynamic stability) has been performed for this missense variant. However, the output from this modeling did not meet the statistical confidence thresholds required to predict the impact of this variant on KMT2B protein function. In summary, the available evidence is currently insufficient to determine the role of this variant in disease. Therefore, it has been classified as a Variant of Uncertain Significance.

Ambry Genetics
Classification: Uncertain significance for Inborn genetic diseases. Last evaluated: 2024-07-16. Review status: criteria provided, single submitter. Criteria: Ambry Variant Classification Scheme 2023. Collection method: clinical testing. Allele origin: germline.

NM_014727.3(KMT2B):c.2131G>A (p.Val711Ile)

Gene: KMT2B (lysine methyltransferase 2B; plus strand). Cytogenetic location: 19q13.12.
Variant type: single nucleotide variant.
Coding change: c.2131G>A on transcript NM_014727.3 (MANE Select); coding-DNA position 2131, G replaced by A.
Protein change: p.Val711Ile; replaces valine 711 with isoleucine.
Molecular consequence: missense variant.
Genome position (GRCh38, 1-based): chr19:35,721,478, G>A. VCF-style: chr19-35721478-G-A. GRCh37 (hg19) VCF-style: chr19-36212380-G-A.
Other names: c.2131G>A (NM_014727.1); short protein forms V711I.
Identifiers: ClinVar variation 2096326 (VCV002096326.5), dbSNP rs1323876213, ClinGen allele CA405396425.
Genomic context (GRCh38, chr19:35,721,478, plus strand): 5'-CCTGAGCCTCGGGCAGTGGGCCGCACCAACCACCTCAGCCTGCCTCGATTCGCCCCTGTG[G>A]TCACCACTCCTGTTAAGGCCGAGGTGTCCCCTCACGGGGCTCCAGCTCTGAGCAACGGGC-3'
Protein context (NP_055542.1, residues 701-721): HLSLPRFAPV[Val711Ile]TTPVKAEVSP